The following is an entry in ClinVar:

NM_004667.6(HERC2):c.5678G>A (p.Arg1893His)

Gene: HERC2 (HECT and RLD domain containing E3 ubiquitin protein ligase 2; minus strand). Cytogenetic location: 15q13.1.
Variant type: single nucleotide variant.
Coding change: c.5678G>A on transcript NM_004667.6 (MANE Select); coding-DNA position 5678, G replaced by A.
Protein change: p.Arg1893His; replaces arginine 1893 with histidine.
Molecular consequence: missense variant.
Genome position (GRCh38, 1-based): chr15:28,220,619, C>T on the plus strand (G>A on the coding strand, the complement: HERC2 is on the minus strand). VCF-style: chr15-28220619-C-T. GRCh37 (hg19) VCF-style: chr15-28465765-C-T.
Other names: c.5678G>A (NM_004667.4); short protein forms R1893H.
Identifiers: ClinVar variation 1316051 (VCV001316051.6), dbSNP rs368440552, ClinGen allele CA7442277.

ClinVar aggregate classification (germline): Uncertain significance. Review status: criteria provided, multiple submitters, no conflicts (2 of 4 stars). 2 submissions from 2 submitters: Uncertain significance (2). Last evaluated 2025-11-08.

Conditions:
Inborn genetic diseases. Identifiers: MedGen C0950123, MeSH D030342.

Allele frequency attached by ClinVar (database versions not stated): gnomAD exomes 0.00006 and 0.00010; TOPMed 0.00022; ExAC 0.00012; ESP Exome Variant Server 0.00015; gnomAD 0.00026 and 0.00027.
gnomAD v4.1: 123 of 1,603,952 alleles (0.0077%); highest among the groups gnomAD compares: African/African-American, 0.052%; 2 homozygotes.

Submissions (2):

GeneDx
Classification: Uncertain significance. Last evaluated: 2025-11-08. Review status: criteria provided, single submitter. Criteria: GeneDx Variant Classification Process June 2021. Collection method: clinical testing. Allele origin: germline. Affected: yes.
Comment: In silico analysis supports that this missense variant has a deleterious effect on protein structure/function; Has not been previously published as pathogenic or benign to our knowledge

Ambry Genetics
Classification: Uncertain significance for Inborn genetic diseases. Last evaluated: 2024-06-07. Review status: criteria provided, single submitter. Criteria: Ambry Variant Classification Scheme 2023. Collection method: clinical testing. Allele origin: germline.